The following is an entry in ClinVar:

ClinVar aggregate classification (germline): Uncertain significance (1 of 4 stars; one submission).

Conditions:
Congenital contractural arachnodactyly (CCA). Also called: BEALS SYNDROME; Arthrogryposis, distal, type 9; Beals-Hecht syndrome. Identifiers: Orphanet 115, MedGen C0220668, MONDO:0007363, OMIM 121050.

Allele frequency attached by ClinVar (database versions not stated): TOPMed below 0.00001; gnomAD 0.00001.
gnomAD v4.1: 1 of 1,613,682 alleles (0.000062%); highest among the groups gnomAD compares: Non-Finnish European, 0.000085%; no homozygotes.

Submission:

Labcorp Genetics (formerly Invitae), Labcorp
Classification: Uncertain significance for Congenital contractural arachnodactyly. Last evaluated: 2023-11-19. Review status: criteria provided, single submitter. Criteria: Invitae Variant Classification Sherloc (09022015). Collection method: clinical testing. Allele origin: germline.
Comment: This sequence change falls in intron 54 of the FBN2 gene. It does not directly change the encoded amino acid sequence of the FBN2 protein. It affects a nucleotide within the consensus splice site. This variant is not present in population databases (gnomAD no frequency). This variant has not been reported in the literature in individuals affected with FBN2-related conditions. Variants that disrupt the consensus splice site are a relatively common cause of aberrant splicing (PMID: 17576681, 9536098). Algorithms developed to predict the effect of sequence changes on RNA splicing suggest that this variant is not likely to affect RNA splicing. In summary, the available evidence is currently insufficient to determine the role of this variant in disease. Therefore, it has been classified as a Variant of Uncertain Significance.

Literature cited by the submitters: PubMed 17576681; PubMed 9536098.

NM_001999.4(FBN2):c.6880+6G>A

Gene: FBN2 (fibrillin 2; minus strand). Cytogenetic location: 5q23.3.
Variant type: single nucleotide variant.
Coding change: c.6880+6G>A on transcript NM_001999.4 (MANE Select); 6 bases into the intron after coding-DNA position 6880, G replaced by A.
Molecular consequence: intron variant.
Genome position (GRCh38, 1-based): chr5:128,287,302, C>T on the plus strand (G>A on the coding strand, the complement: FBN2 is on the minus strand). VCF-style: chr5-128287302-C-T. GRCh37 (hg19) VCF-style: chr5-127622994-C-T.
Identifiers: ClinVar variation 2985971 (VCV002985971.3), dbSNP rs1271195305, ClinGen allele CA803628442.